The following is an entry in ClinVar:

NM_001844.5(COL2A1):c.514C>G (p.Pro172Ala)

Gene: COL2A1 (collagen type II alpha 1 chain; minus strand). Cytogenetic location: 12q13.11.
Variant type: single nucleotide variant.
Coding change: c.514C>G on transcript NM_001844.5 (MANE Select); coding-DNA position 514, C replaced by G.
Protein change: p.Pro172Ala; replaces proline 172 with alanine.
Molecular consequence: missense variant.
Genome position (GRCh38, 1-based): chr12:47,997,623, G>C on the plus strand (C>G on the coding strand, the complement: COL2A1 is on the minus strand). VCF-style: chr12-47997623-G-C. GRCh37 (hg19) VCF-style: chr12-48391406-G-C.
Other names: c.307C>G, p.Pro103Ala (NM_033150.3); short protein forms P103A, P172A.
Identifiers: ClinVar variation 1713546 (VCV001713546.5), dbSNP rs2540180011, ClinGen allele CA384524665.

ClinVar aggregate classification (germline): Uncertain significance (1 of 4 stars; one submission).

Submission:

Labcorp Genetics (formerly Invitae), Labcorp
Classification: Uncertain significance. Last evaluated: 2022-07-23. Review status: criteria provided, single submitter. Criteria: Invitae Variant Classification Sherloc (09022015). Collection method: clinical testing. Allele origin: germline.
Comment: In summary, the available evidence is currently insufficient to determine the role of this variant in disease. Therefore, it has been classified as a Variant of Uncertain Significance. Advanced modeling of protein sequence and biophysical properties (such as structural, functional, and spatial information, amino acid conservation, physicochemical variation, residue mobility, and thermodynamic stability) performed at Invitae indicates that this missense variant is not expected to disrupt COL2A1 protein function. This variant has not been reported in the literature in individuals affected with COL2A1-related conditions. This variant is not present in population databases (gnomAD no frequency). This sequence change replaces proline, which is neutral and non-polar, with alanine, which is neutral and non-polar, at codon 172 of the COL2A1 protein (p.Pro172Ala).